The following is an entry in ClinVar:

ClinVar aggregate classification (germline): Uncertain significance (1 of 4 stars; one submission).

Submission:

Ambry Genetics
Classification: Uncertain significance. Last evaluated: 2026-02-16. Review status: criteria provided, single submitter. Criteria: Ambry Variant Classification Scheme 2023. Collection method: clinical testing. Allele origin: germline.
Comment: The p.L1141F variant (also known as c.3423G>C), located in coding exon 3 of the MLH3 gene, results from a G to C substitution at nucleotide position 3423. The leucine at codon 1141 is replaced by phenylalanine, an amino acid with highly similar properties. This amino acid position is conserved. In addition, the in silico prediction for this alteration is inconclusive. Based on the available evidence, the clinical significance of this variant remains unclear.

NM_001040108.2(MLH3):c.3423G>C (p.Leu1141Phe)

Gene: MLH3 (mutL homolog 3; minus strand). Cytogenetic location: 14q24.3.
Variant type: single nucleotide variant.
Coding change: c.3423G>C on transcript NM_001040108.2 (MANE Select); coding-DNA position 3423, G replaced by C.
Protein change: p.Leu1141Phe; replaces leucine 1141 with phenylalanine.
Molecular consequence: missense variant.
Genome position (GRCh38, 1-based): chr14:75,041,657, C>G on the plus strand (G>C on the coding strand, the complement: MLH3 is on the minus strand). VCF-style: chr14-75041657-C-G. GRCh37 (hg19) VCF-style: chr14-75508360-C-G.
Other names: c.3423G>C, p.Leu1141Phe (NM_014381.3); short protein forms L1141F.
Identifiers: ClinVar variation 4844645 (VCV004844645.1).